The following is an entry in ClinVar:

NM_000834.5(GRIN2B):c.2812C>T (p.Arg938Cys)

Gene: GRIN2B (glutamate ionotropic receptor NMDA type subunit 2B; minus strand). Cytogenetic location: 12p13.1.
Variant type: single nucleotide variant.
Coding change: c.2812C>T on transcript NM_000834.5 (MANE Select); coding-DNA position 2812, C replaced by T.
Protein change: p.Arg938Cys; replaces arginine 938 with cysteine.
Molecular consequence: missense variant.
Genome position (GRCh38, 1-based): chr12:13,564,426, G>A on the plus strand (C>T on the coding strand, the complement: GRIN2B is on the minus strand). VCF-style: chr12-13564426-G-A. GRCh37 (hg19) VCF-style: chr12-13717360-G-A.
Other names: c.2812C>T, p.Arg938Cys (NM_001413992.1); short protein forms R938C.
Identifiers: ClinVar variation 4792332 (VCV004792332.1).
Genomic context (GRCh38, chr12:13,564,426, plus strand): 5'-GGTTCTCCTCACAGGGCGGGTTGTTGTAGGATTTGCAGTCAGAATGCGTGAAGCTGCGGC[G>A]GTGCTCTGAGATGTCATAGACGGATGACTCCCGTCGGATGAAGTCCAGGGCGCTCTGCGG-3'
Protein context (NP_000825.2, residues 928-948): ESSVYDISEH[Arg938Cys]RSFTHSDCKS

ClinVar aggregate classification (germline): Uncertain significance (1 of 4 stars; one submission).

Conditions:
Developmental and epileptic encephalopathy, 27 (DEE27). Also called: Epileptic encephalopathy, early infantile, 27; GRIN2B-Related Neurodevelopmental Disorder. Identifiers: Orphanet 3451, MedGen C4015316, MONDO:0014505, OMIM 616139.
Intellectual developmental disorder, autosomal dominant 6, with or without seizures. Also called: Intellectual disability, autosomal dominant 6; GRIN2B-related developmental delay, intellectual disability and autism spectrum disorder. Identifiers: Orphanet 589547, MedGen C3151411, MONDO:0013509, OMIM 613970.

gnomAD v4.1: 8 of 1,614,232 alleles (0.0005%); highest among the groups gnomAD compares: Non-Finnish European, 0.00068%; no homozygotes.

Submission:

Labcorp Genetics (formerly Invitae), Labcorp
Classification: Uncertain significance for Developmental and epileptic encephalopathy, 27; Intellectual developmental disorder, autosomal dominant 6, with or without seizures. Last evaluated: 2025-11-09. Review status: criteria provided, single submitter. Criteria: Invitae Variant Classification Sherloc (09022015). Collection method: clinical testing. Allele origin: germline.
Comment: This sequence change replaces arginine, which is basic and polar, with cysteine, which is neutral and slightly polar, at codon 938 of the GRIN2B protein (p.Arg938Cys). This variant is present in population databases (no rsID available, gnomAD 0.0009%). This variant has not been reported in the literature in individuals affected with GRIN2B-related conditions. Invitae Evidence Modeling of protein sequence and biophysical properties (such as structural, functional, and spatial information, amino acid conservation, physicochemical variation, residue mobility, and thermodynamic stability) indicates that this missense variant is not expected to disrupt GRIN2B protein function with a negative predictive value of 95%. In summary, the available evidence is currently insufficient to determine the role of this variant in disease. Therefore, it has been classified as a Variant of Uncertain Significance.